The following is an entry in ClinVar:

ClinVar aggregate classification (germline): Likely benign. Review status: criteria provided, single submitter (1 of 4 stars). 2 submissions from 2 submitters: Likely benign (1). 1 of the submissions does not count toward it. Last evaluated 2025-10-05.

Conditions:
SRCAP-related disorder. Also called: SRCAP-related condition.

Allele frequency attached by ClinVar (database versions not stated): gnomAD 0.00003; ExAC 0.00002.
gnomAD v4.1: 28 of 1,613,912 alleles (0.0017%); highest among the groups gnomAD compares: East Asian, 0.018%; no homozygotes.

Submissions (2):

Labcorp Genetics (formerly Invitae), Labcorp
Classification: Likely benign. Last evaluated: 2025-10-05. Review status: criteria provided, single submitter. Criteria: Invitae Variant Classification Sherloc (09022015). Collection method: clinical testing. Allele origin: germline.

PreventionGenetics, part of Exact Sciences
Classification: Likely benign for SRCAP-related condition. Last evaluated: 2019-04-09. Review status: no assertion criteria provided. Collection method: clinical testing. Allele origin: germline. Not counted in ClinVar's aggregate classification.
Comment: This variant is classified as likely benign based on ACMG/AMP sequence variant interpretation guidelines (Richards et al. 2015 PMID: 25741868, with internal and published modifications).

NM_006662.3(SRCAP):c.6141G>A (p.Thr2047=)

Gene: SRCAP (Snf2 related CREBBP activator protein; plus strand). Cytogenetic location: 16p11.2.
Variant type: single nucleotide variant.
Coding change: c.6141G>A on transcript NM_006662.3 (MANE Select); coding-DNA position 6141, G replaced by A.
Protein change: p.Thr2047=; no amino-acid change (threonine 2047 retained).
Molecular consequence: synonymous variant.
Genome position (GRCh38, 1-based): chr16:30,733,293, G>A. VCF-style: chr16-30733293-G-A. GRCh37 (hg19) VCF-style: chr16-30744614-G-A.
Other names: c.6141G>A (NM_006662.2).
Identifiers: ClinVar variation 2888889 (VCV002888889.5), dbSNP rs774921093, ClinGen allele CA8012175.